The following is an entry in ClinVar:

NM_000297.4(PKD2):c.839G>A (p.Trp280Ter)

Gene: PKD2 (polycystin 2, transient receptor potential cation channel; plus strand). Cytogenetic location: 4q22.1.
Variant type: single nucleotide variant.
Coding change: c.839G>A on transcript NM_000297.4 (MANE Select); coding-DNA position 839, G replaced by A.
Protein change: p.Trp280Ter; replaces tryptophan 280 with a stop codon.
Molecular consequence: nonsense. On other transcripts: non-coding transcript variant (1).
Genome position (GRCh38, 1-based): chr4:88,036,349, G>A. VCF-style: chr4-88036349-G-A. GRCh37 (hg19) VCF-style: chr4-88957501-G-A.
Other names: short protein forms W280*.
Identifiers: ClinVar variation 3377091 (VCV003377091.3).
Genomic context (GRCh38, chr4:88,036,349, plus strand): 5'-CCCCCGTGTCCAAAACGGAGAAAACTAACTTTAAAACTCTGTCTTCCATGGAAGACTTCT[G>A]GAAGGTATTTGCAAATAACTTTGAAAGTACCTCTCTATCACAGAAAATTGTTCATTTGGC-3'

ClinVar aggregate classification (germline): Pathogenic. Review status: criteria provided, multiple submitters, no conflicts (2 of 4 stars). 3 submissions from 3 submitters: Pathogenic (3). Last evaluated 2026-03-12.

Conditions:
PKD2-related disorder. Also called: PKD2-related condition.
Polycystic kidney disease 2 (PKD2). Also called: Polycystic Kidney Disease 2, Autosomal Dominant; POLYCYSTIC KIDNEY DISEASE, ADULT, TYPE II; POLYCYSTIC KIDNEY DISEASE 2 WITH OR WITHOUT POLYCYSTIC LIVER DISEASE. Identifiers: MedGen C2751306, MONDO:0013131, OMIM 613095.

Submissions (3):

PreventionGenetics, part of Exact Sciences
Classification: Pathogenic for PKD2-related condition. Last evaluated: 2026-03-12. Review status: criteria provided, single submitter. Criteria: ACMG Guidelines, 2015. Collection method: clinical testing. Allele origin: germline.
Comment: The PKD2 c.839G>A variant is predicted to result in premature protein termination (p.Trp280*). To our knowledge, this variant has not been reported in the literature or in a large population database (gnomAD), indicating it is rare. Nonsense variants in PKD2 are expected to be pathogenic. This variant is interpreted as pathogenic.

Victorian Clinical Genetics Services, Murdoch Childrens Research Institute
Classification: Pathogenic for Polycystic kidney disease 2. Last evaluated: 2024-10-09. Review status: criteria provided, single submitter. Criteria: ACMG Guidelines, 2015. Collection method: clinical testing. Allele origin: germline. Inheritance: Autosomal dominant inheritance. Affected: yes.
Comment: Based on the classification scheme VCGS_Germline_v1.3.5, this variant is classified as Pathogenic. Following criteria are met: 0102 - Loss of function is a known mechanism of disease in this gene and is associated with polycystic kidney disease 2 (MIM#613095). (I) 0107 - This gene is associated with autosomal dominant disease. (I) 0201 - Variant is predicted to cause nonsense-mediated decay (NMD) and loss of protein (premature termination codon is located at least 54 nucleotides upstream of the final exon-exon junction). (SP) 0251 - This variant is heterozygous. (I) 0301 - Variant is absent from gnomAD (v2, v3 and v4). (SP) 0701 - Many other NMD-predicted variants comparable to the one identified in this case have very strong previous evidence for pathogenicity (DECIPHER). (SP) 0807 - This variant has no previous evidence of pathogenicity. (I) 0905 - No published segregation evidence has been identified for this variant. (I) 1007 - No published functional evidence has been identified for this variant. (I) 1208 - Inheritance information for this variant is not currently available in this individual. (I) Legend: (SP) - Supporting pathogenic, (I) - Information, (SB) - Supporting benign

Department of Pathology and Laboratory Medicine, Sinai Health System
Classification: Pathogenic for Polycystic kidney disease 2. Last evaluated: 2023-04-14. Review status: criteria provided, single submitter. Criteria: ACMG Guidelines, 2015. Collection method: clinical testing. Allele origin: germline. Affected: yes.